The following is an entry in ClinVar:

ClinVar aggregate classification (germline): Uncertain significance (1 of 4 stars; one submission).

Conditions:
Hajdu-Cheney syndrome (HJCYS). Also called: ACROOSTEOLYSIS WITH OSTEOPOROSIS AND CHANGES IN SKULL AND MANDIBLE; SERPENTINE FIBULA-POLYCYSTIC KIDNEY SYNDROME; Acroosteolysis dominant type. Identifiers: Orphanet 955, MedGen C0917715, MONDO:0007057, OMIM 102500.

gnomAD v4.1: 32 of 1,614,058 alleles (0.002%); highest among the groups gnomAD compares: South Asian, 0.032%; 1 homozygote.

Submission:

Labcorp Genetics (formerly Invitae), Labcorp
Classification: Uncertain significance for Hajdu-Cheney syndrome. Last evaluated: 2025-05-28. Review status: criteria provided, single submitter. Criteria: Invitae Variant Classification Sherloc (09022015). Collection method: clinical testing. Allele origin: germline.
Comment: This sequence change replaces glutamine, which is neutral and polar, with arginine, which is basic and polar, at codon 1449 of the NOTCH2 protein (p.Gln1449Arg). This variant is present in population databases (rs777503030, gnomAD 0.01%). This variant has not been reported in the literature in individuals affected with NOTCH2-related conditions. ClinVar contains an entry for this variant (Variation ID: 3705190). Invitae Evidence Modeling of protein sequence and biophysical properties (such as structural, functional, and spatial information, amino acid conservation, physicochemical variation, residue mobility, and thermodynamic stability) indicates that this missense variant is not expected to disrupt NOTCH2 protein function with a negative predictive value of 80%. In summary, the available evidence is currently insufficient to determine the role of this variant in disease. Therefore, it has been classified as a Variant of Uncertain Significance.

NM_024408.4(NOTCH2):c.4346A>G (p.Gln1449Arg)

Gene: NOTCH2 (notch receptor 2; minus strand). Cytogenetic location: 1p12.
Variant type: single nucleotide variant.
Coding change: c.4346A>G on transcript NM_024408.4 (MANE Select); coding-DNA position 4346, A replaced by G.
Protein change: p.Gln1449Arg; replaces glutamine 1449 with arginine.
Molecular consequence: missense variant.
Genome position (GRCh38, 1-based): chr1:119,925,470, T>C on the plus strand (A>G on the coding strand, the complement: NOTCH2 is on the minus strand). VCF-style: chr1-119925470-T-C. GRCh37 (hg19) VCF-style: chr1-120468093-T-C.
Other names: short protein forms Q1449R.
Identifiers: ClinVar variation 3705190 (VCV003705190.2).